The following is an entry in ClinVar:

ClinVar aggregate classification (germline): Uncertain significance. Review status: criteria provided, multiple submitters, no conflicts (2 of 4 stars). 2 submissions from 2 submitters: Uncertain significance (2). Last evaluated 2025-08-04.

Conditions:
Inborn genetic diseases. Identifiers: MedGen C0950123, MeSH D030342.

Allele frequency attached by ClinVar (database versions not stated): TOPMed 0.00003.

Submissions (2):

Ambry Genetics
Classification: Uncertain significance for Inborn genetic diseases. Last evaluated: 2025-08-04. Review status: criteria provided, single submitter. Criteria: Ambry Variant Classification Scheme 2023. Collection method: clinical testing. Allele origin: germline.

Labcorp Genetics (formerly Invitae), Labcorp
Classification: Uncertain significance. Last evaluated: 2022-04-08. Review status: criteria provided, single submitter. Criteria: Invitae Variant Classification Sherloc (09022015). Collection method: clinical testing. Allele origin: germline.
Comment: This sequence change replaces threonine, which is neutral and polar, with isoleucine, which is neutral and non-polar, at codon 547 of the MMP2 protein (p.Thr547Ile). This variant is not present in population databases (gnomAD no frequency). This variant has not been reported in the literature in individuals affected with MMP2-related conditions. Algorithms developed to predict the effect of missense changes on protein structure and function (SIFT, PolyPhen-2, Align-GVGD) all suggest that this variant is likely to be tolerated. In summary, the available evidence is currently insufficient to determine the role of this variant in disease. Therefore, it has been classified as a Variant of Uncertain Significance.

NM_004530.6(MMP2):c.1640C>T (p.Thr547Ile)

Gene: MMP2 (matrix metallopeptidase 2; plus strand). Cytogenetic location: 16q12.2.
Variant type: single nucleotide variant.
Coding change: c.1640C>T on transcript NM_004530.6 (MANE Select); coding-DNA position 1640, C replaced by T.
Protein change: p.Thr547Ile; replaces threonine 547 with isoleucine.
Molecular consequence: missense variant.
Genome position (GRCh38, 1-based): chr16:55,498,319, C>T. VCF-style: chr16-55498319-C-T. GRCh37 (hg19) VCF-style: chr16-55532231-C-T.
Other names: c.1490C>T, p.Thr497Ile (NM_001127891.3); c.1412C>T, p.Thr471Ile (NM_001302508.1, NM_001302509.2, NM_001302510.2); c.1640C>T (NM_004530.4); short protein forms T471I, T547I, T497I.
Identifiers: ClinVar variation 1926927 (VCV001926927.6), dbSNP rs1962579856, ClinGen allele CA395937708.